The following is an entry in ClinVar:

NM_005411.5(SFTPA1):c.532G>A (p.Val178Met)

Gene: SFTPA1 (surfactant protein A1; plus strand). Cytogenetic location: 10q22.3.
Variant type: single nucleotide variant.
Coding change: c.532G>A on transcript NM_005411.5 (MANE Select); coding-DNA position 532, G replaced by A.
Protein change: p.Val178Met; replaces valine 178 with methionine.
Molecular consequence: missense variant.
Genome position (GRCh38, 1-based): chr10:79,613,898, G>A. VCF-style: chr10-79613898-G-A. GRCh37 (hg19) VCF-style: chr10-81373654-G-A.
Other names: SFTAP1, VAL178MET (rs1215316727); c.532G>A (NM_005411.4); c.577G>A, p.Val193Met (NM_001093770.3); c.532G>A, p.Val178Met (NM_001164644.2, NM_001164647.1); c.430G>A, p.Val144Met (NM_001164645.2); c.385G>A, p.Val129Met (NM_001164646.2); short protein forms V178M, V129M, V144M, V193M.
Identifiers: ClinVar variation 1325403 (VCV001325403.2), dbSNP rs1215316727, ClinGen allele CA377356279.

ClinVar aggregate classification (germline): Uncertain significance. Review status: criteria provided, single submitter (1 of 4 stars). 2 submissions from 2 submitters: Uncertain significance (1). 1 of the submissions does not count toward it. Last evaluated 2025-05-28.

Conditions:
SFTPA1-related disorder. Also called: SFTPA1-related condition.
Interstitial lung disease 1. Identifiers: MedGen C5562021, MONDO:0030608, OMIM 619611.

Allele frequency attached by ClinVar (database versions not stated): gnomAD exomes below 0.00001 and 0.00001; TOPMed below 0.00001.
gnomAD v4.1: 18 of 1,613,990 alleles (0.0011%); highest among the groups gnomAD compares: Admixed American, 0.0017%; no homozygotes.

Submissions (2):

PreventionGenetics, part of Exact Sciences
Classification: Uncertain significance for SFTPA1-related condition. Last evaluated: 2025-05-28. Review status: criteria provided, single submitter. Criteria: ACMG Guidelines, 2015. Collection method: clinical testing. Allele origin: germline.
Comment: The SFTPA1 c.532G>A variant is predicted to result in the amino acid substitution p.Val178Met. This variant has been reported and shown to co-segregate with disease in a family with interstitial lung disease type 1 (Doubková et al. 2019. PubMed ID: 30854216). It has also been reported in two individuals with lung adenocarcinoma (Legendre et al. 2020. PubMed ID: 32855221; Brudon et al. 2024. PubMed ID: 38575158). In vitro studies using transformed HEK293 cells showed that SFTPA1 protein with the p.Val178Met variant was normally expressed but was secreted from the cell at reduced levels compared to wild type (Legendre et al. 2020. PubMed ID: 32855221). This variant is reported in 0.0029% of alleles in individuals of Latino descent in gnomAD. Although we suspect that this variant may be pathogenic, the clinical significance of this variant is uncertain at this time due to the absence of conclusive functional and genetic evidence.

OMIM
Classification: Pathogenic for INTERSTITIAL LUNG DISEASE 1. Last evaluated: 2021-11-19. Review status: no assertion criteria provided. Collection method: literature only. Allele origin: germline. Not counted in ClinVar's aggregate classification.

Literature cited by the submitters: PubMed 30854216 (cited by OMIM); PubMed 32855221 (cited by OMIM).